The following is an entry in ClinVar:

NM_030662.4(MAP2K2):c.22del (p.Val8fs)

Genes: MAP2K2 (mitogen-activated protein kinase kinase 2; minus strand), LOC130063193 (ATAC-STARR-seq lymphoblastoid silent region 9881; plus strand). Cytogenetic location: 19p13.3.
Variant type: Deletion.
Coding change: c.22del on transcript NM_030662.4 (MANE Select); coding-DNA position 22, one base deleted (G; older notation c.22delG).
Protein change: p.Val8fs; shifts the reading frame from valine 8.
Molecular consequence: frameshift variant.
Genome position (GRCh38, 1-based): chr19:4,123,854, C deleted on the plus strand (G on the coding strand, the reverse complement: MAP2K2 is on the minus strand); the first of 2 consecutive C bases (chr19:4,123,854-4,123,855); deleting either gives the same sequence. VCF-style (leftmost placement, unchanged base first): chr19-4123853-AC-A. GRCh37 (hg19) VCF-style: chr19-4123850-AC-A.
Other names: c.22delG (NM_030662.3); short protein forms V8fs.
Identifiers: ClinVar variation 40764 (VCV000040764.1), dbSNP rs730880519, ClinGen allele CA296175.
Genomic context (GRCh38, chr19:4,123,853, plus strand): 5'-CCCTCGCTGGTAGGGGATGGGCCCTCGGCGATGGTAGGGTTGATGGTGAGCGCCGGCAGC[AC>A]CGGCTTCCTCCGGGCCAGCATCGGGGCTCCGCGGGCCGGCGGCGGCGGCGCCTCTAGCCG-3'

ClinVar aggregate classification (germline): Uncertain significance (1 of 4 stars; one submission).

Conditions:
RASopathy. Also called: Noonan spectrum disorder; rasopathies. Identifiers: Orphanet 536391, MedGen C5555857, MONDO:0021060.

Submission:

GeneDx
Classification: Uncertain significance for Rasopathy. Last evaluated: 2012-04-02. Review status: criteria provided, single submitter. Criteria: GeneDx Variant Classification (06012015). Collection method: clinical testing. Allele origin: germline. Affected: yes.
Comment: This variant is denoted c.22delG at the cDNA level or at the protein level as p.Val8CysfsX95. The normal sequence with the base that is deleted in braces is: GCCG{G}TGCT. The c.22delG single nucleotide deletion has not been published as a mutation, nor has it been reported as a benign polymorphism to our knowledge. The c.22delG mutation in the MAP2K2 gene causes a frameshift starting with codon Valine 8, changes this amino acid to a Cysteine residue, and creates a premature Stop codon at position 95 of the new reading frame, denoted p.Val8CysfsX95. This variant is predicted to cause loss of normal protein function either through protein truncation or nonsense-mediated mRNA decay. In MAP2K2, no truncating or other loss-of function mutations have been reported so far in association with a Noonan spectrum disorder. Therefore, the c.22delG variant is considered to be a variant of unknown clinical significance. The variant is found in NOONAN panel(s).